The following is an entry in ClinVar:

ClinVar aggregate classification (germline): Benign. Review status: criteria provided, multiple submitters, no conflicts (2 of 4 stars). 3 submissions from 2 submitters: Benign (3). Last evaluated 2018-01-13.

Conditions:
Gastrointestinal stromal tumor. Also called: Gastrointestinal stromal tumor, somatic; Gastrointestinal stroma tumor. Identifiers: Orphanet 44890, MedGen C0238198, MeSH D046152, MONDO:0011719, OMIM 606764, HP:0100723.
Idiopathic hypereosinophilic syndrome (HES). Identifiers: Orphanet 3260, MedGen C0206141, MONDO:0011895, OMIM 607685. Disease mechanism: gain of function.

Allele frequency attached by ClinVar (database versions not stated): 1000 Genomes Project 30x 0.03061; 1000 Genomes Project 0.03075; gnomAD 0.06163 and 0.06370; TOPMed 0.06234; gnomAD exomes 0.07549.

Submissions (3):

Illumina Laboratory Services, Illumina
Classification: Benign for Idiopathic hypereosinophilic syndrome. Last evaluated: 2018-01-13. Review status: criteria provided, single submitter. Criteria: ICSL Variant Classification Criteria 13 December 2019. Collection method: clinical testing. Allele origin: germline.
Comment: This variant was observed in the ICSL laboratory as part of a predisposition screen in an ostensibly healthy population. It had not been previously curated by ICSL or reported in the Human Gene Mutation Database (HGMD: prior to June 1st, 2018), and was therefore a candidate for classification through an automated scoring system. Utilizing variant allele frequency, disease prevalence and penetrance estimates, and inheritance mode, an automated score was calculated to assess if this variant is too frequent to cause the disease. Based on the score and internal cut-off values, a variant classified as benign is not then subjected to further curation. The score for this variant resulted in a classification of benign for this disease.

Illumina Laboratory Services, Illumina
Classification: Benign for Gastrointestinal stromal tumor. Last evaluated: 2018-01-13. Review status: criteria provided, single submitter. Criteria: ICSL Variant Classification Criteria 13 December 2019. Collection method: clinical testing. Allele origin: germline.
Comment: the same text as in the submission from Illumina Laboratory Services, Illumina above.

Breakthrough Genomics
Classification: Benign. Review status: criteria provided, single submitter. Criteria: ACMG Guidelines, 2015. Collection method: not provided. Allele origin: germline. Inheritance: Autosomal dominant inheritance. Affected: yes.

NM_006206.6(PDGFRA):c.*832T>C

Gene: PDGFRA (platelet derived growth factor receptor alpha; plus strand). Cytogenetic location: 4q12.
Variant type: single nucleotide variant.
Coding change: c.*832T>C on transcript NM_006206.6 (MANE Select); 832 bases downstream of the stop codon, T replaced by C.
Molecular consequence: 3 prime UTR variant.
Genome position (GRCh38, 1-based): chr4:54,296,104, T>C. VCF-style: chr4-54296104-T-C. GRCh37 (hg19) VCF-style: chr4-55162271-T-C.
Other names: c.*832T>C (NM_001347828.2, NM_001347829.2, NM_001347830.2).
Identifiers: ClinVar variation 348921 (VCV000348921.6), dbSNP rs12511976, ClinGen allele CA10621192.